The following is an entry in ClinVar:

ClinVar aggregate classification (germline): Pathogenic (1 of 4 stars; one submission).

Conditions:
Sessile serrated polyposis cancer syndrome (SSPCS). Identifiers: Orphanet 157798, MedGen C4310714, MONDO:0014919, OMIM 617108.

Submission:

Myriad Genetics, Inc.
Classification: Pathogenic for Sessile serrated polyposis cancer syndrome. Last evaluated: 2025-12-15. Review status: criteria provided, single submitter. Criteria: Myriad Autosomal Dominant, Autosomal Recessive and X-Linked Classification Criteria (2023). Collection method: clinical testing. Allele origin: unknown.
Comment: This variant is considered pathogenic. This variant creates a frameshift predicted to result in premature protein truncation.

NM_017763.6(RNF43):c.1207_1210dup (p.Arg404fs)

Gene: RNF43 (ring finger protein 43; minus strand). Cytogenetic location: 17q22.
Variant type: Duplication.
Coding change: c.1207_1210dup on transcript NM_017763.6 (MANE Select); coding-DNA positions 1207 to 1210, 4 bases duplicated (CAGC; older notation c.1207_1210dupCAGC).
Protein change: p.Arg404fs; shifts the reading frame from arginine 404.
Molecular consequence: frameshift variant.
Genome position (GRCh38, 1-based): chr17:58,358,566-58,358,569, GCTG duplicated on the plus strand (CAGC on the coding strand, the reverse complement: RNF43 is on the minus strand). VCF-style (leftmost placement, unchanged base first): chr17-58358565-C-CGCTG. GRCh37 (hg19) VCF-style: chr17-56435926-C-CGCTG.
Other names: c.1207_1210dup, p.Arg404fs (NM_001305544.3, NM_001438820.1, NM_001438821.1 and 1 more transcripts); c.826_829dup, p.Arg277fs (NM_001305545.2, NM_001437987.1); short protein forms R277fs, R404fs.
Identifiers: ClinVar variation 4812945 (VCV004812945.1).
Genomic context (GRCh38, chr17:58,358,565, plus strand): 5'-GTGGATTGGAGGTGGCTCAGTCCCCAGCCTTGTGCATAGGGGTGCTGGGCTCCTGCCAGG[C>CGCTG]GCTGCTGCTCTCCTGGAGCCCGGGGATGTGCAGCTCTGGGGAAGCGGTGATGCCGAGGGC-3'